The following is an entry in ClinVar:

ClinVar aggregate classification (germline): Likely benign. Review status: criteria provided, multiple submitters, no conflicts (2 of 4 stars). 4 submissions from 4 submitters: Likely benign (3). 1 of the submissions does not count toward it. Last evaluated 2025-09-08.

Conditions:
Intellectual disability. Also called: Intellectual functioning disability; Intellectual developmental disorder; intellectual disabilities. Identifiers: MedGen C3714756, MeSH D008607, MONDO:0001071, HP:0001249.
RAI1-related disorder. Also called: RAI1-related condition.
Inborn genetic diseases. Identifiers: MedGen C0950123, MeSH D030342.

Allele frequency attached by ClinVar (database versions not stated): gnomAD 0.00003.
gnomAD v4.1: 40 of 1,612,566 alleles (0.0025%); highest among the groups gnomAD compares: Admixed American, 0.0067%; no homozygotes.

Submissions (4):

Labcorp Genetics (formerly Invitae), Labcorp
Classification: Likely benign. Last evaluated: 2025-09-08. Review status: criteria provided, single submitter. Criteria: Invitae Variant Classification Sherloc (09022015). Collection method: clinical testing. Allele origin: germline.

Ambry Genetics
Classification: Likely benign for Inborn genetic diseases. Last evaluated: 2024-09-11. Review status: criteria provided, single submitter. Criteria: Ambry Variant Classification Scheme 2023. Collection method: clinical testing. Allele origin: germline.

Cambridge Genomics Laboratory, East Genomic Laboratory Hub, NHS Genomic Medicine Service
Classification: Likely benign for Intellectual disability. Last evaluated: 2019-06-28. Review status: criteria provided, single submitter. Criteria: ACGS Best Practice Guidelines for Variant Classification in Rare Disease 2020. Collection method: clinical testing. Allele origin: germline. Affected: yes. Observed: 1 variant allele.

PreventionGenetics, part of Exact Sciences
Classification: Uncertain significance for RAI1-related condition. Last evaluated: 2023-12-20. Review status: no assertion criteria provided. Collection method: clinical testing. Allele origin: germline. Not counted in ClinVar's aggregate classification.
Comment: The RAI1 c.386C>G variant is predicted to result in the amino acid substitution p.Pro129Arg. To our knowledge, this variant has not been reported in the literature. This variant is reported in 0.009% of alleles in individuals of European (Non-Finnish) descent in gnomAD. At this time, the clinical significance of this variant is uncertain due to the absence of conclusive functional and genetic evidence.

NM_030665.4(RAI1):c.386C>G (p.Pro129Arg)

Gene: RAI1 (retinoic acid induced 1; plus strand). Cytogenetic location: 17p11.2.
Variant type: single nucleotide variant.
Coding change: c.386C>G on transcript NM_030665.4 (MANE Select); coding-DNA position 386, C replaced by G.
Protein change: p.Pro129Arg; replaces proline 129 with arginine.
Molecular consequence: missense variant.
Genome position (GRCh38, 1-based): chr17:17,793,334, C>G. VCF-style: chr17-17793334-C-G. GRCh37 (hg19) VCF-style: chr17-17696648-C-G.
Other names: c.386C>G (NM_030665.3); short protein forms P129R.
Identifiers: ClinVar variation 1400904 (VCV001400904.12), dbSNP rs748915017, ClinGen allele CA8418111.